The following is an entry in ClinVar:

ClinVar aggregate classification (germline): Uncertain significance. Review status: criteria provided, multiple submitters, no conflicts (2 of 4 stars). 4 submissions from 4 submitters: Uncertain significance (4). Last evaluated 2025-12-26.

Conditions:
Cardiomyopathy (CMYO). Also called: Cardiomyopathies. Identifiers: Orphanet 167848, MedGen C0878544, MONDO:0004994, HP:0001638. Inheritance: Various modes of inheritance.
Hypertrophic cardiomyopathy. Also called: HYPERTROPHIC MYOCARDIOPATHY. Identifiers: Orphanet 217569, MedGen C0007194, MeSH D002312, MONDO:0005045, HP:0001639.

Allele frequency attached by ClinVar (database versions not stated): gnomAD 0.00001; TOPMed 0.00001; ExAC 0.00002.
gnomAD v4.1: 15 of 1,612,820 alleles (0.00093%); highest among the groups gnomAD compares: South Asian, 0.0033%; no homozygotes.

Submissions (4):

Labcorp Genetics (formerly Invitae), Labcorp
Classification: Uncertain significance for Hypertrophic cardiomyopathy. Last evaluated: 2025-12-26. Review status: criteria provided, single submitter. Criteria: Invitae Variant Classification Sherloc (09022015). Collection method: clinical testing. Allele origin: germline.
Comment: This sequence change replaces serine, which is neutral and polar, with leucine, which is neutral and non-polar, at codon 1413 of the MYH7 protein (p.Ser1413Leu). This variant is present in population databases (rs730880796, gnomAD 0.004%). This variant has not been reported in the literature in individuals affected with MYH7-related conditions. ClinVar contains an entry for this variant (Variation ID: 181250). Invitae Evidence Modeling of protein sequence and biophysical properties (such as structural, functional, and spatial information, amino acid conservation, physicochemical variation, residue mobility, and thermodynamic stability) indicates that this missense variant is expected to disrupt MYH7 protein function with a positive predictive value of 95%. In summary, the available evidence is currently insufficient to determine the role of this variant in disease. Therefore, it has been classified as a Variant of Uncertain Significance.

GeneDx
Classification: Uncertain significance. Last evaluated: 2025-09-26. Review status: criteria provided, single submitter. Criteria: GeneDx Variant Classification Process June 2021. Collection method: clinical testing. Allele origin: germline. Affected: yes.
Comment: Not observed at significant frequency in large population cohorts (gnomAD); In silico analysis supports that this missense variant has a deleterious effect on protein structure/function; Has not been previously published as pathogenic or benign in association with MYH7-related disorder to our knowledge; This variant is associated with the following publications: (PMID: 31589614, 34542152)

Color Diagnostics, LLC DBA Color Health
Classification: Uncertain significance for Cardiomyopathy. Last evaluated: 2025-06-11. Review status: criteria provided, single submitter. Criteria: ACMG Guidelines, 2015. Collection method: clinical testing. Allele origin: germline.
Comment: This missense variant replaces serine with leucine at codon 1413 of the MYH7 protein. Computational prediction suggests that this variant may have a deleterious impact on protein structure and function. To our knowledge, functional studies have not been reported for this variant. This variant has not been reported in individuals affected with MYH7-related disorders in the literature. This variant has been identified in 3/251478 chromosomes in the general population by the Genome Aggregation Database (gnomAD). The available evidence is insufficient to determine the role of this variant in disease conclusively. Therefore, this variant is classified as a Variant of Uncertain Significance.

Blueprint Genetics
Classification: Uncertain significance. Last evaluated: 2020-05-29. Review status: criteria provided, single submitter. Criteria: ACMG Guidelines, 2015. Collection method: clinical testing. Allele origin: germline.

NM_000257.4(MYH7):c.4238C>T (p.Ser1413Leu)

Gene: MYH7 (myosin heavy chain 7; minus strand). Cytogenetic location: 14q11.2.
Variant type: single nucleotide variant.
Coding change: c.4238C>T on transcript NM_000257.4 (MANE Select); coding-DNA position 4238, C replaced by T.
Protein change: p.Ser1413Leu; replaces serine 1413 with leucine.
Molecular consequence: missense variant.
Genome position (GRCh38, 1-based): chr14:23,417,618, G>A on the plus strand (C>T on the coding strand, the complement: MYH7 is on the minus strand). VCF-style: chr14-23417618-G-A. GRCh37 (hg19) VCF-style: chr14-23886827-G-A.
Other names: p.S1413L:TCG>TTG; c.4238C>T (LRG_384t1); short protein forms S1413L.
Identifiers: ClinVar variation 181250 (VCV000181250.14), dbSNP rs730880796, ClinGen allele CA014687.